The following is an entry in ClinVar:

NM_005591.4(MRE11):c.334C>G (p.Gln112Glu)

Gene: MRE11 (MRE11 double strand break repair nuclease; minus strand). Cytogenetic location: 11q21.
Variant type: single nucleotide variant.
Coding change: c.334C>G on transcript NM_005591.4 (MANE Select); coding-DNA position 334, C replaced by G.
Protein change: p.Gln112Glu; replaces glutamine 112 with glutamic acid.
Molecular consequence: missense variant.
Genome position (GRCh38, 1-based): chr11:94,479,742, G>C on the plus strand (C>G on the coding strand, the complement: MRE11 is on the minus strand). VCF-style: chr11-94479742-G-C. GRCh37 (hg19) VCF-style: chr11-94212908-G-C.
Other names: c.334C>G, p.Gln112Glu (NM_001330347.2, NM_005590.4); short protein forms Q112E.
Identifiers: ClinVar variation 1800030 (VCV001800030.2), dbSNP rs945291564, ClinGen allele CA382378603.
Genomic context (GRCh38, chr11:94,479,742, plus strand): 5'-GATCGTCATGATTGCCATGAATACTAAACACTGGAATTGAAATGTTGAGGTTGCCATCTT[G>C]ATAGTTCACCCATGGAAACCTTAAAAAAAAAAAGTTACTTAAAATTTCCATACGGGACAA-3'
Protein context (NP_005582.1, residues 102-122): GFSKFPWVNY[Gln112Glu]DGNLNISIPV

ClinVar aggregate classification (germline): Uncertain significance (1 of 4 stars; one submission).

Conditions:
Hereditary cancer-predisposing syndrome. Also called: Neoplastic Syndromes, Hereditary; Tumor predisposition; Hereditary Cancer Syndrome; Hereditary neoplastic syndrome. Identifiers: Orphanet 140162, MedGen C0027672, MeSH D009386, MONDO:0015356.

Submission:

Ambry Genetics
Classification: Uncertain significance for Hereditary cancer-predisposing syndrome. Last evaluated: 2022-06-09. Review status: criteria provided, single submitter. Criteria: Ambry Variant Classification Scheme 2023. Collection method: clinical testing. Allele origin: germline.
Comment: The p.Q112E variant (also known as c.334C>G), located in coding exon 4 of the MRE11A gene, results from a C to G substitution at nucleotide position 334. The glutamine at codon 112 is replaced by glutamic acid, an amino acid with highly similar properties. This amino acid position is conserved. In addition, this alteration is predicted to be tolerated by in silico analysis. Since supporting evidence is limited at this time, the clinical significance of this alteration remains unclear.